The following is an entry in ClinVar:

ClinVar aggregate classification (germline): Likely benign. Review status: reviewed by expert panel (3 of 4 stars). 3 submissions from 3 submitters: Likely benign (1). 2 of the submissions do not count toward it. Last evaluated 2024-06-24.

Conditions:
Hereditary thrombocytopenia and hematologic cancer predisposition syndrome. Identifiers: Orphanet 71290, MedGen CN281654, MONDO:0011071.
Inborn genetic diseases. Identifiers: MedGen C0950123, MeSH D030342.
Hereditary thrombocytopenia and hematological cancer predisposition syndrome associated with RUNX1. Also called: RUNX1 Familial Platelet Disorder with Associated Myeloid Malignancies; PLATELET DISORDER, ASPIRIN-LIKE; Familial Platelet Disorder with Propensity to Acute Myelogenous Leukemia; Familial thrombocytopenia with propensity to acute myelogenous leukemia. Identifiers: Orphanet 71290, MedGen C1832388, MeSH C563324, MONDO:0100083, OMIM 601399.

Allele frequency attached by ClinVar (database versions not stated): gnomAD 0.00001; gnomAD exomes 0.00001 and 0.00007; TOPMed 0.00003; ExAC 0.00008.

Submissions (3):

ClinGen Myeloid Malignancy Variant Curation Expert Panel
Classification: Likely benign for Hereditary thrombocytopenia and hematologic cancer predisposition syndrome. Last evaluated: 2024-06-24. Review status: reviewed by expert panel. Criteria: ClinGen MyeloMalig ACMG Specifications v2. Collection method: curation. Allele origin: germline. Inheritance: Autosomal dominant inheritance.
Comment: NM_001754.5(RUNX1):c.1030G>A (p.Asp344Asn) is a missense variant which has a MAF of 0.0002921 (0.0291%, 13/44506, 13 alleles) in the East Asian subpopulation of the gnomAD v4.0.0 cohort is between 0.00015 (0.015%) and 0.0015 (0.15%) (BS1). This missense variant has a REVEL score < 0.50 (0.082) and a SpliceAI score ≤ 0.20 (0.0) (BP4). In summary, this variant meets criteria to be classified as likely benign. ACMG/AMP criteria applied, as specified by the Myeloid Malignancy Variant Curation Expert Panel for RUNX1: BS1, BP4.

Labcorp Genetics (formerly Invitae), Labcorp
Classification: Uncertain significance for Hereditary thrombocytopenia and hematological cancer predisposition syndrome associated with RUNX1. Last evaluated: 2025-12-08. Review status: criteria provided, single submitter. Criteria: Invitae Variant Classification Sherloc (09022015). Collection method: clinical testing. Allele origin: germline. Not counted in ClinVar's aggregate classification.
Comment: This sequence change replaces aspartic acid, which is acidic and polar, with asparagine, which is neutral and polar, at codon 344 of the RUNX1 protein (p.Asp344Asn). This variant is present in population databases (rs759684186, gnomAD 0.07%), and has an allele count higher than expected for a pathogenic variant. This variant has not been reported in the literature in individuals affected with RUNX1-related conditions. ClinVar contains an entry for this variant (Variation ID: 854239). Invitae Evidence Modeling of protein sequence and biophysical properties (such as structural, functional, and spatial information, amino acid conservation, physicochemical variation, residue mobility, and thermodynamic stability) has been performed for this missense variant. However, the output from this modeling did not meet the statistical confidence thresholds required to predict the impact of this variant on RUNX1 protein function. In summary, the available evidence is currently insufficient to determine the role of this variant in disease. Therefore, it has been classified as a Variant of Uncertain Significance.

Ambry Genetics
Classification: Benign for Inborn genetic diseases. Last evaluated: 2024-06-28. Review status: criteria provided, single submitter. Criteria: Ambry Variant Classification Scheme 2023. Collection method: clinical testing. Allele origin: germline. Not counted in ClinVar's aggregate classification.

NM_001754.5(RUNX1):c.1030G>A (p.Asp344Asn)

Gene: RUNX1 (RUNX family transcription factor 1; minus strand). Cytogenetic location: 21q22.12.
Variant type: single nucleotide variant.
Coding change: c.1030G>A on transcript NM_001754.5 (MANE Select); coding-DNA position 1030, G replaced by A.
Protein change: p.Asp344Asn; replaces aspartic acid 344 with asparagine.
Molecular consequence: missense variant.
Genome position (GRCh38, 1-based): chr21:34,792,548, C>T on the plus strand (G>A on the coding strand, the complement: RUNX1 is on the minus strand). VCF-style: chr21-34792548-C-T. GRCh37 (hg19) VCF-style: chr21-36164845-C-T.
Other names: NM_001754.5(RUNX1):c.1030G>A; p.Asp344Asn; c.949G>A, p.Asp317Asn (NM_001001890.3); short protein forms D317N, D344N.
Identifiers: ClinVar variation 854239 (VCV000854239.9), dbSNP rs759684186, ClinGen allele CA10014219.
Genomic context (GRCh38, chr21:34,792,548, plus strand): 5'-TGCCCGAGGTGACCGGCGTCGGGGAGTAGGTGAAGGCGCCTGGATAGTGCATGCGGGGGT[C>T]GGAGATGGAGGGCAGCGCGGGGAACTGGCGCGGGTCGCTGAACGCTGTCAGGTCGGGTGC-3'
Protein context (NP_001745.2, residues 334-354): RQFPALPSIS[Asp344Asn]PRMHYPGAFT